The following is an entry in ClinVar:

NM_001012614.2(CTBP1):c.162+102C>A

Gene: CTBP1 (C-terminal binding protein 1; minus strand). Cytogenetic location: 4p16.3.
Variant type: single nucleotide variant.
Coding change: c.162+102C>A on transcript NM_001012614.2 (MANE Select); 102 bases into the intron after coding-DNA position 162, C replaced by A.
Molecular consequence: intron variant.
Genome position (GRCh38, 1-based): chr4:1,238,081, G>T on the plus strand (C>A on the coding strand, the complement: CTBP1 is on the minus strand). VCF-style: chr4-1238081-G-T. GRCh37 (hg19) VCF-style: chr4-1231869-G-T.
Other names: c.162+102C>A (NM_001377192.1, NM_001377189.1, NM_001377193.1 and 4 more transcripts); c.195+102C>A (NM_001328.3, NM_001377186.1).
Identifiers: ClinVar variation 1695090 (VCV001695090.31), dbSNP rs189752725, ClinGen allele CA2804547.

ClinVar aggregate classification (germline): Likely benign (1 of 4 stars; one submission).

Allele frequency attached by ClinVar (database versions not stated): gnomAD exomes 0.00008 and 0.00014; gnomAD 0.00009 and 0.00013; TOPMed 0.00010; ExAC 0.00014; 1000 Genomes Project 0.00060; 1000 Genomes Project 30x 0.00062.
gnomAD v4.1: 129 of 1,491,108 alleles (0.0087%); highest among the groups gnomAD compares: Middle Eastern, 0.34%; no homozygotes.

Submission:

CeGaT Center for Human Genetics Tuebingen
Classification: Likely benign. Last evaluated: 2022-05-01. Review status: criteria provided, single submitter. Criteria: CeGaT Center For Human Genetics Tuebingen Variant Classification Criteria Version 2. Collection method: clinical testing. Allele origin: germline. Affected: yes. Observed: 1 variant allele.
Comment: CTBP1: PP2, BP4, BS2